The following is an entry in ClinVar:

NM_000059.4(BRCA2):c.3907G>A (p.Gly1303Ser)

Gene: BRCA2 (BRCA2 DNA repair associated; plus strand). Cytogenetic location: 13q13.1.
Variant type: single nucleotide variant.
Coding change: c.3907G>A on transcript NM_000059.4 (MANE Select); coding-DNA position 3907, G replaced by A.
Protein change: p.Gly1303Ser; replaces glycine 1303 with serine.
Molecular consequence: missense variant.
Genome position (GRCh38, 1-based): chr13:32,338,262, G>A. VCF-style: chr13-32338262-G-A. GRCh37 (hg19) VCF-style: chr13-32912399-G-A.
Other names: short protein forms G1303S.
Identifiers: ClinVar variation 955786 (VCV000955786.11), dbSNP rs2072491499, ClinGen allele CA387778799.

ClinVar aggregate classification (germline): Conflicting classifications of pathogenicity. Review status: criteria provided, conflicting classifications (1 of 4 stars). 2 submissions from 2 submitters: Uncertain significance (1); Likely benign (1). Last evaluated 2023-03-23.

Conditions:
Hereditary breast ovarian cancer syndrome. Also called: Hereditary breast and ovarian cancer; Hereditary breast and/or ovarian cancer syndrome; Hereditary breast and ovarian cancer syndrome; Hereditary breast and ovarian cancer syndrome (HBOC); Breast and ovarian cancer; BRCA1- and BRCA2-Associated Hereditary Breast and Ovarian Cancer. Identifiers: Orphanet 145, MedGen C0677776, MeSH D061325, MONDO:0003582. Disease mechanism: loss of function.
Hereditary cancer-predisposing syndrome. Also called: Hereditary neoplastic syndrome; Tumor predisposition; Neoplastic Syndromes, Hereditary; Hereditary Cancer Syndrome. Identifiers: Orphanet 140162, MedGen C0027672, MeSH D009386, MONDO:0015356.

Submissions (2):

University of Washington Department of Laboratory Medicine, University of Washington
Classification: Likely benign for Hereditary cancer-predisposing syndrome. Last evaluated: 2023-03-23. Review status: criteria provided, single submitter. Criteria: Dines et al. (Genet Med. 2020). Collection method: curation. Allele origin: germline.
Comment: Missense variant in a coldspot region where missense variants are very unlikely to be pathogenic (PMID:31911673).

BRCA2 exon 11 coldspot. Reclassification based on statistical prior probability.

Labcorp Genetics (formerly Invitae), Labcorp
Classification: Uncertain significance for Hereditary breast ovarian cancer syndrome. Last evaluated: 2022-05-24. Review status: criteria provided, single submitter. Criteria: Invitae Variant Classification Sherloc (09022015). Collection method: clinical testing. Allele origin: germline.
Comment: This sequence change replaces glycine, which is neutral and non-polar, with serine, which is neutral and polar, at codon 1303 of the BRCA2 protein (p.Gly1303Ser). In summary, the available evidence is currently insufficient to determine the role of this variant in disease. Therefore, it has been classified as a Variant of Uncertain Significance. Advanced modeling of protein sequence and biophysical properties (such as structural, functional, and spatial information, amino acid conservation, physicochemical variation, residue mobility, and thermodynamic stability) performed at Invitae indicates that this missense variant is not expected to disrupt BRCA2 protein function. ClinVar contains an entry for this variant (Variation ID: 955786). This variant has not been reported in the literature in individuals affected with BRCA2-related conditions. This variant is not present in population databases (gnomAD no frequency).